The following is an entry in ClinVar:

NM_000179.3(MSH6):c.1523T>C (p.Val508Ala)

Gene: MSH6 (mutS homolog 6; plus strand). Cytogenetic location: 2p16.3.
Variant type: single nucleotide variant.
Coding change: c.1523T>C on transcript NM_000179.3 (MANE Select); coding-DNA position 1523, T replaced by C.
Protein change: p.Val508Ala; replaces valine 508 with alanine.
Molecular consequence: missense variant.
Genome position (GRCh38, 1-based): chr2:47,799,506, T>C. VCF-style: chr2-47799506-T-C. GRCh37 (hg19) VCF-style: chr2-48026645-T-C.
Other names: c.1133T>C, p.Val378Ala (NM_001281492.2); c.617T>C, p.Val206Ala (NM_001281493.2, NM_001281494.2, NM_001406811.1 and 6 more transcripts); c.1619T>C, p.Val540Ala (NM_001406795.1, NM_001406802.1); c.1523T>C, p.Val508Ala (NM_001406796.1, NM_001406798.1, NM_001406800.1 and 4 more transcripts); c.1226T>C, p.Val409Ala (NM_001406797.1, NM_001406801.1, NM_001406805.1 and 10 more transcripts); c.998T>C, p.Val333Ala (NM_001406799.1, NM_001406806.1, NM_001406807.1); c.1445T>C, p.Val482Ala (NM_001406804.1); c.1529T>C, p.Val510Ala (NM_001406813.1); and 1 more; short protein forms V206A, V378A, V452A, V333A, V482A, V508A, V510A, V540A.
Identifiers: ClinVar variation 1774484 (VCV001774484.2), dbSNP rs2530614185, ClinGen allele CA346746413.
Genomic context (GRCh38, chr2:47,799,506, plus strand): 5'-CTCCAGAAATGATGGAGGCACGATGTAGAAAGATGGCACATATATCCAAGTATGATAGAG[T>C]GGTGAGGAGGGAGATCTGTAGGATCATTACCAAGGGTACACAGACTTACAGTGTGCTGGA-3'
Protein context (NP_000170.1, residues 498-518): KMAHISKYDR[Val508Ala]VRREICRIIT

ClinVar aggregate classification (germline): Uncertain significance (1 of 4 stars; one submission).

Conditions:
Hereditary cancer-predisposing syndrome. Also called: Hereditary Cancer Syndrome; Hereditary neoplastic syndrome; Neoplastic Syndromes, Hereditary; Tumor predisposition. Identifiers: Orphanet 140162, MedGen C0027672, MeSH D009386, MONDO:0015356.

Submission:

Ambry Genetics
Classification: Uncertain significance for Hereditary cancer-predisposing syndrome. Last evaluated: 2018-09-11. Review status: criteria provided, single submitter. Criteria: Ambry Variant Classification Scheme 2023. Collection method: clinical testing. Allele origin: germline.
Comment: The p.V508A variant (also known as c.1523T>C), located in coding exon 4 of the MSH6 gene, results from a T to C substitution at nucleotide position 1523. The valine at codon 508 is replaced by alanine, an amino acid with similar properties. This amino acid position is highly conserved in available vertebrate species. In addition, this alteration is predicted to be deleterious by in silico analysis. In addition, the CoDP in silico tool predicts this alteration to likely impair molecular function, with a score of 0.945 (Terui H et al. J. Biomed. Sci. 2013 Apr;20:25). Since supporting evidence is limited at this time, the clinical significance of this alteration remains unclear.